The following is an entry in ClinVar:

ClinVar aggregate classification (germline): Uncertain significance. Review status: criteria provided, single submitter (1 of 4 stars). 2 submissions from 2 submitters: Uncertain significance (1). 1 of the submissions does not count toward it. Last evaluated 2022-07-19.

Conditions:
Ataxia-telangiectasia syndrome (AT). Also called: LOUIS-BAR SYNDROME; Ataxia telangiectasia (A-T); Cerebello-oculocutaneous telangiectasia; Immunodeficiency with ataxia telangiectasia; ATAXIA-TELANGIECTASIA, COMPLEMENTATION GROUP A; ATAXIA-TELANGIECTASIA, FRESNO VARIANT. Identifiers: Orphanet 100, MedGen C0004135, MONDO:0008840, OMIM 208900.

Submissions (2):

Labcorp Genetics (formerly Invitae), Labcorp
Classification: Uncertain significance for Ataxia-telangiectasia syndrome. Last evaluated: 2022-07-19. Review status: criteria provided, single submitter. Criteria: Invitae Variant Classification Sherloc (09022015). Collection method: clinical testing. Allele origin: germline.
Comment: In summary, the available evidence is currently insufficient to determine the role of this variant in disease. Therefore, it has been classified as a Variant of Uncertain Significance. Advanced modeling of protein sequence and biophysical properties (such as structural, functional, and spatial information, amino acid conservation, physicochemical variation, residue mobility, and thermodynamic stability) performed at Invitae indicates that this missense variant is not expected to disrupt ATM protein function. ClinVar contains an entry for this variant (Variation ID: 948998). This variant has not been reported in the literature in individuals affected with ATM-related conditions. This variant is not present in population databases (gnomAD no frequency). This sequence change replaces glutamic acid, which is acidic and polar, with aspartic acid, which is acidic and polar, at codon 1301 of the ATM protein (p.Glu1301Asp).

Natera, Inc.
Classification: Uncertain significance for Ataxia-telangiectasia. Last evaluated: 2020-06-10. Review status: no assertion criteria provided. Collection method: clinical testing. Allele origin: germline. Not counted in ClinVar's aggregate classification.

NM_000051.4(ATM):c.3903G>C (p.Glu1301Asp)

Gene: ATM (ATM serine/threonine kinase; plus strand). Cytogenetic location: 11q22.3.
Variant type: single nucleotide variant.
Coding change: c.3903G>C on transcript NM_000051.4 (MANE Select); coding-DNA position 3903, G replaced by C.
Protein change: p.Glu1301Asp; replaces glutamic acid 1301 with aspartic acid.
Molecular consequence: missense variant.
Genome position (GRCh38, 1-based): chr11:108,284,383, G>C. VCF-style: chr11-108284383-G-C. GRCh37 (hg19) VCF-style: chr11-108155110-G-C.
Other names: c.3903G>C, p.Glu1301Asp (NM_001351834.2); short protein forms E1301D.
Identifiers: ClinVar variation 948998 (VCV000948998.13), dbSNP rs2082384273, ClinGen allele CA382525651.